The following is an entry in ClinVar:

NM_000392.5(ABCC2):c.3226C>T (p.Pro1076Ser)

Gene: ABCC2 (ATP binding cassette subfamily C member 2; plus strand). Cytogenetic location: 10q24.2.
Variant type: single nucleotide variant.
Coding change: c.3226C>T on transcript NM_000392.5 (MANE Select); coding-DNA position 3226, C replaced by T.
Protein change: p.Pro1076Ser; replaces proline 1076 with serine.
Molecular consequence: missense variant.
Genome position (GRCh38, 1-based): chr10:99,832,099, C>T. VCF-style: chr10-99832099-C-T. GRCh37 (hg19) VCF-style: chr10-101591856-C-T.
Other names: short protein forms P1076S.
Identifiers: ClinVar variation 4985051 (VCV004985051.1).

ClinVar aggregate classification (germline): Uncertain significance (1 of 4 stars; one submission).

Conditions:
ABCC2-related disorder. Also called: ABCC2-related condition.

gnomAD v4.1: 6 of 1,614,180 alleles (0.00037%); highest among the groups gnomAD compares: South Asian, 0.0022%; no homozygotes.

Submission:

PreventionGenetics, part of Exact Sciences
Classification: Uncertain significance for ABCC2-related condition. Last evaluated: 2025-06-25. Review status: criteria provided, single submitter. Criteria: ACMG Guidelines, 2015. Collection method: clinical testing. Allele origin: germline.
Comment: The ABCC2 c.3226C>T variant is predicted to result in the amino acid substitution p.Pro1076Ser. To our knowledge, this variant has not been reported in the literature. This variant is reported in 0.0018% of alleles in individuals of European (Non-Finnish) descent in gnomAD. At this time, the clinical significance of this variant is uncertain due to the absence of conclusive functional and genetic evidence.